The following is an entry in ClinVar:

ClinVar aggregate classification (germline): Pathogenic (1 of 4 stars; one submission).

Conditions:
Epidermolysis bullosa simplex 3, localized or generalized intermediate, with BP230 deficiency (EBS3). Also called: Epidermolysis bullosa simplex, autosomal recessive 2; Epidermolysis bullosa simplex due to BP230 deficiency. Identifiers: Orphanet 412181, MedGen C3809470, MONDO:0014180, OMIM 615425.
Hereditary sensory and autonomic neuropathy type 6. Also called: HSAN VI; Neuropathy, hereditary sensory and autonomic, type VI. Identifiers: Orphanet 314381, MedGen C3539003, MONDO:0013839, OMIM 614653.

Submission:

Labcorp Genetics (formerly Invitae), Labcorp
Classification: Pathogenic for Epidermolysis bullosa simplex 3, localized or generalized intermediate, with BP230 deficiency; Hereditary sensory and autonomic neuropathy type 6. Last evaluated: 2021-02-03. Review status: criteria provided, single submitter. Criteria: Invitae Variant Classification Sherloc (09022015). Collection method: clinical testing. Allele origin: germline.
Comment: For these reasons, this variant has been classified as Pathogenic. This variant has not been reported in the literature in individuals with DST-related conditions. This variant is not present in population databases (ExAC no frequency). This sequence change creates a premature translational stop signal (p.Asn1786Thrfs*50) in the DST gene. It is expected to result in an absent or disrupted protein product. Loss-of-function variants in DST are known to be pathogenic (PMID: 22522446, 25059916, 30371979).

Literature cited by the submitters: PubMed 22522446; PubMed 25059916; PubMed 30371979.

NM_001723.7(DST):c.5357del (p.Asn1786fs)

Gene: DST (dystonin; minus strand). Cytogenetic location: 6p12.1.
Variant type: Deletion.
Coding change: c.5357del on transcript NM_001723.7 (MANE Plus Clinical); coding-DNA position 5357, one base deleted (A; older notation c.5357delA).
Protein change: p.Asn1786fs; shifts the reading frame from asparagine 1786.
Molecular consequence: frameshift variant. On other transcripts: intron variant (10).
Genome position (GRCh38, 1-based): chr6:56,618,677, T deleted on the plus strand (A on the coding strand, the reverse complement: DST is on the minus strand); the first of 4 consecutive T bases (chr6:56,618,677-56,618,680); deleting any one gives the same sequence. VCF-style (leftmost placement, unchanged base first): chr6-56618676-GT-G. GRCh37 (hg19) VCF-style: chr6-56483474-GT-G.
Other names: c.4831-4193del (NM_001144769.5); c.4930-4193del (NM_001374722.1, NM_001374736.1); c.4957-4193del (NM_001374734.1); c.4417-4193del (NM_001144770.2); c.4297-4193del (NM_001374730.1, NM_001386100.1, NM_183380.4 and 1 more transcripts); c.3319-4193del (NM_015548.5); short protein forms N1786fs.
Identifiers: ClinVar variation 1393103 (VCV001393103.6), dbSNP rs1440037452, ClinGen allele CA826166341.